The following is an entry in ClinVar:

NM_001303052.2(MYT1L):c.1898A>G (p.Asn633Ser)

Gene: MYT1L (myelin transcription factor 1 like; minus strand). Cytogenetic location: 2p25.3.
Variant type: single nucleotide variant.
Coding change: c.1898A>G on transcript NM_001303052.2 (MANE Select); coding-DNA position 1898, A replaced by G.
Protein change: p.Asn633Ser; replaces asparagine 633 with serine.
Molecular consequence: missense variant.
Genome position (GRCh38, 1-based): chr2:1,903,214, T>C on the plus strand (A>G on the coding strand, the complement: MYT1L is on the minus strand). VCF-style: chr2-1903214-T-C. GRCh37 (hg19) VCF-style: chr2-1906986-T-C.
Other names: c.1898A>G, p.Asn633Ser (NM_001329844.2, NM_001329845.1, NM_001329851.3); c.1892A>G, p.Asn631Ser (NM_001329846.3, NM_001329847.2, NM_001329848.1 and 3 more transcripts); short protein forms N631S, N633S.
Identifiers: ClinVar variation 2809273 (VCV002809273.3), dbSNP rs2148960027, ClinGen allele CA345699118.

ClinVar aggregate classification (germline): Likely pathogenic (1 of 4 stars; one submission).

Submission:

Labcorp Genetics (formerly Invitae), Labcorp
Classification: Likely pathogenic. Last evaluated: 2022-10-23. Review status: criteria provided, single submitter. Criteria: Invitae Variant Classification Sherloc (09022015). Collection method: clinical testing. Allele origin: germline.
Comment: This sequence change replaces asparagine, which is neutral and polar, with serine, which is neutral and polar, at codon 631 of the MYT1L protein (p.Asn631Ser). This variant is not present in population databases (gnomAD no frequency). This missense change has been observed in individual(s) with clinical features of MYT1L-related intellectual disability (Invitae). In at least one individual the variant was observed to be de novo. Advanced modeling of protein sequence and biophysical properties (such as structural, functional, and spatial information, amino acid conservation, physicochemical variation, residue mobility, and thermodynamic stability) has been performed at Invitae for this missense variant, however the output from this modeling did not meet the statistical confidence thresholds required to predict the impact of this variant on MYT1L protein function. In summary, the currently available evidence indicates that the variant is pathogenic, but additional data are needed to prove that conclusively. Therefore, this variant has been classified as Likely Pathogenic.